The following is an entry in ClinVar:

NM_023036.6(DNAI2):c.451_454delinsCCC (p.Thr151fs)

Gene: DNAI2 (dynein axonemal intermediate chain 2; plus strand). Cytogenetic location: 17q25.1.
Variant type: Indel.
Coding change: c.451_454delinsCCC on transcript NM_023036.6 (MANE Select); coding-DNA positions 451 to 454, ACCA replaced by CCC.
Protein change: p.Thr151fs; shifts the reading frame from threonine 151.
Molecular consequence: frameshift variant.
Genome position (GRCh38, 1-based): chr17:74,287,082-74,287,085, ACCA replaced by CCC. VCF-style: chr17-74287082-ACCA-CCC. GRCh37 (hg19) VCF-style: chr17-72283221-ACCA-CCC.
Other names: c.451_454delinsCCC, p.Thr151fs (NM_001172810.3, NM_001353167.2); short protein forms T151fs.
Identifiers: ClinVar variation 4816116 (VCV004816116.1).

ClinVar aggregate classification (germline): Likely pathogenic (1 of 4 stars; one submission).

Conditions:
Primary ciliary dyskinesia. Also called: Ciliary dyskinesia. Identifiers: Orphanet 244, MedGen C0008780, MONDO:0016575, HP:0012265.

Submission:

Natera, Inc.
Classification: Likely pathogenic for Primary ciliary dyskinesia. Last evaluated: 2024-09-30. Review status: criteria provided, single submitter. Criteria: Natera Variant Classification Schema (03/2026). Collection method: clinical testing. Allele origin: germline.
Comment: The c.451_454delinsCCC variant in DNAI2 is a frameshift variant predicted to shift the reading frame beginning at codon 151 and leads to a stop codon 44 codons downstream. This variant is expected to result in nonsense mediated decay, truncation, or a dysfunctional protein product. This variant is rare in the general population with a frequency below the threshold expected for the associated phenotype(s). Given the available evidence, this variant is classified as Likely Pathogenic.